The following is an entry in ClinVar:

NM_194302.4(CFAP65):c.4282C>T (p.His1428Tyr)

Genes: CFAP65 (cilia and flagella associated protein 65; minus strand), CFAP65-AS1 (CFAP65 antisense RNA 1; plus strand). Cytogenetic location: 2q35.
Variant type: single nucleotide variant.
Coding change: c.4282C>T on transcript NM_194302.4 (MANE Select); coding-DNA position 4282, C replaced by T.
Protein change: p.His1428Tyr; replaces histidine 1428 with tyrosine.
Molecular consequence: missense variant.
Genome position (GRCh38, 1-based): chr2:219,010,572, G>A on the plus strand (C>T on the coding strand, the complement: CFAP65 is on the minus strand). VCF-style: chr2-219010572-G-A. GRCh37 (hg19) VCF-style: chr2-219875294-G-A.
Other names: short protein forms H1428Y.
Identifiers: ClinVar variation 5002692 (VCV005002692.1).
Genomic context (GRCh38, chr2:219,010,572, plus strand): 5'-AGGCCTCAGGCCTTCCTAGCTCCCCTTTCCCCACCTGTCCAGGCACCACCAGCCTAGAGT[G>A]TATGGAACTGTTGTCCCACGAGGAGATGTTGTGGAATGGGGCTGTGTCCCCCATCATATG-3'
Protein context (NP_919278.2, residues 1418-1438): NISSWDNSSI[His1428Tyr]SRLVVPGQNV

ClinVar aggregate classification (germline): Uncertain significance (1 of 4 stars; one submission).

Conditions:
Spermatogenic failure 40. Identifiers: MedGen C5231451, MONDO:0032859, OMIM 618664.

gnomAD v4.1: 11 of 1,611,352 alleles (0.00068%); highest among the groups gnomAD compares: Non-Finnish European, 0.00093%; no homozygotes.

Submission:

OLLIN Analises Genomicas, OLLIN
Classification: Uncertain significance for Spermatogenic failure 40. Last evaluated: 2026-08-06. Review status: criteria provided, single submitter. Criteria: ACMG Guidelines 2015 PMID 25741868. Collection method: clinical testing. Allele origin: germline. Inheritance: Autosomal recessive inheritance.
Comment: This missense variant, located in exon 26 (of 35), has been observed in gnomAD with an allele frequency of 0.00068%, but has not been reported in ClinVar or identified in the literature. In silico analysis predicts that this variant has a tolerated effect. According to the currently available evidence, this variant has been classified as uncertain significance (PM2_P, BP4_M).